The following is an entry in ClinVar:

NM_001330723.2(SNX27):c.259G>A (p.Gly87Arg)

Gene: SNX27 (sorting nexin 27; plus strand). Cytogenetic location: 1q21.3.
Variant type: single nucleotide variant.
Coding change: c.259G>A on transcript NM_001330723.2 (MANE Select); coding-DNA position 259, G replaced by A.
Protein change: p.Gly87Arg; replaces glycine 87 with arginine.
Molecular consequence: missense variant.
Genome position (GRCh38, 1-based): chr1:151,612,460, G>A. VCF-style: chr1-151612460-G-A. GRCh37 (hg19) VCF-style: chr1-151584936-G-A.
Other names: c.259G>A, p.Gly87Arg (NM_030918.6); short protein forms G87R.
Identifiers: ClinVar variation 1399959 (VCV001399959.8), dbSNP rs750944911, ClinGen allele CA341974568.

ClinVar aggregate classification (germline): Uncertain significance (1 of 4 stars; one submission).

Conditions:
Severe myoclonic epilepsy in infancy (DRVT). Also called: DEVELOPMENTAL AND EPILEPTIC ENCEPHALOPATHY 6A; Severe Myoclonic Epilepsy in Infancy (SMEI); Epileptic encephalopathy, early infantile, 6 (Dravet syndrome); SEVERE MYOCLONIC EPILEPSY OF INFANCY; Dravet syndrome. Identifiers: Orphanet 33069, MedGen C0751122, MONDO:0100135, OMIM 607208.

Allele frequency attached by ClinVar (database versions not stated): TOPMed 0.00001.

Submission:

Labcorp Genetics (formerly Invitae), Labcorp
Classification: Uncertain significance for Severe myoclonic epilepsy in infancy. Last evaluated: 2025-03-03. Review status: criteria provided, single submitter. Criteria: Invitae Variant Classification Sherloc (09022015). Collection method: clinical testing. Allele origin: germline.
Comment: This sequence change replaces glycine, which is neutral and non-polar, with arginine, which is basic and polar, at codon 87 of the SNX27 protein (p.Gly87Arg). This variant is not present in population databases (gnomAD no frequency). This variant has not been reported in the literature in individuals affected with SNX27-related conditions. ClinVar contains an entry for this variant (Variation ID: 1399959). An algorithm developed to predict the effect of missense changes on protein structure and function (PolyPhen-2) suggests that this variant is likely to be disruptive. In summary, the available evidence is currently insufficient to determine the role of this variant in disease. Therefore, it has been classified as a Variant of Uncertain Significance.